The following is an entry in ClinVar:

NM_001378120.1(MBD5):c.4401C>G (p.Val1467=)

Gene: MBD5 (methyl-CpG binding domain protein 5; plus strand). Cytogenetic location: 2q23.1.
Variant type: single nucleotide variant.
Coding change: c.4401C>G on transcript NM_001378120.1 (MANE Select); coding-DNA position 4401, C replaced by G.
Protein change: p.Val1467=; no amino-acid change (valine 1467 retained).
Molecular consequence: synonymous variant.
Genome position (GRCh38, 1-based): chr2:148,490,033, C>G. VCF-style: chr2-148490033-C-G. GRCh37 (hg19) VCF-style: chr2-149247602-C-G.
Other names: c.3702C>G, p.Val1234= (NM_018328.5).
Identifiers: ClinVar variation 389691 (VCV000389691.1), dbSNP rs144957555, ClinGen allele CA16603832.

ClinVar aggregate classification (germline): Likely benign (1 of 4 stars; one submission).

gnomAD v4.1: 1 of 1,613,906 alleles (0.000062%); highest among the groups gnomAD compares: African/African-American, 0.0013%; no homozygotes.

Submission:

GeneDx
Classification: Likely benign. Last evaluated: 2016-09-28. Review status: criteria provided, single submitter. Criteria: GeneDx Variant Classification (06012015). Collection method: clinical testing. Allele origin: germline. Affected: yes.
Comment: This variant is considered likely benign or benign based on one or more of the following criteria: it is a conservative change, it occurs at a poorly conserved position in the protein, it is predicted to be benign by multiple in silico algorithms, and/or has population frequency not consistent with disease.